The following is an entry in ClinVar:

ClinVar aggregate classification (germline): Uncertain significance (1 of 4 stars; one submission).

Conditions:
Chuvash polycythemia. Also called: POLYCYTHEMIA, VHL-DEPENDENT. Identifiers: Orphanet 238557, MedGen C1837915, MONDO:0009892, OMIM 263400.
Von Hippel-Lindau syndrome (VHLS). Also called: von Hippel–Lindau syndrome; VHL syndrome; Von Hippel-Lindau. Identifiers: Orphanet 892, MedGen C0019562, MONDO:0008667, OMIM 193300. Disease mechanism: loss of function.

Submission:

Labcorp Genetics (formerly Invitae), Labcorp
Classification: Uncertain significance for Von Hippel-Lindau syndrome; Chuvash polycythemia. Last evaluated: 2025-02-18. Review status: criteria provided, single submitter. Criteria: Invitae Variant Classification Sherloc (09022015). Collection method: clinical testing. Allele origin: germline.
Comment: This sequence change replaces alanine, which is neutral and non-polar, with glutamic acid, which is acidic and polar, at codon 5 of the VHL protein (p.Ala5Glu). This variant is not present in population databases (gnomAD no frequency). This variant has not been reported in the literature in individuals affected with VHL-related conditions. Invitae Evidence Modeling of protein sequence and biophysical properties (such as structural, functional, and spatial information, amino acid conservation, physicochemical variation, residue mobility, and thermodynamic stability) has been performed for this missense variant. However, the output from this modeling did not meet the statistical confidence thresholds required to predict the impact of this variant on VHL protein function. In summary, the available evidence is currently insufficient to determine the role of this variant in disease. Therefore, it has been classified as a Variant of Uncertain Significance.

NM_000551.4(VHL):c.14C>A (p.Ala5Glu)

Gene: VHL (von Hippel-Lindau tumor suppressor; plus strand). Cytogenetic location: 3p25.3.
Variant type: single nucleotide variant.
Coding change: c.14C>A on transcript NM_000551.4 (MANE Select); coding-DNA position 14, C replaced by A.
Protein change: p.Ala5Glu; replaces alanine 5 with glutamic acid.
Molecular consequence: missense variant. On other transcripts: non-coding transcript variant (1).
Genome position (GRCh38, 1-based): chr3:10,141,861, C>A. VCF-style: chr3-10141861-C-A. GRCh37 (hg19) VCF-style: chr3-10183545-C-A.
Other names: c.14C>A, p.Ala5Glu (NM_001354723.2, NM_198156.3); short protein forms A5E.
Identifiers: ClinVar variation 4794122 (VCV004794122.1).
Genomic context (GRCh38, chr3:10,141,861, plus strand): 5'-CGCGGATCCCGCGGCGTCCGGCCCGGGTGGTCTGGATCGCGGAGGGAATGCCCCGGAGGG[C>A]GGAGAACTGGGACGAGGCCGAGGTAGGCGCGGAGGAGGCAGGCGTCGAAGAGTACGGCCC-3'
Protein context (NP_000542.1, residues 1-15): MPRR[Ala5Glu]ENWDEAEVGA